The following is an entry in ClinVar:

NM_001458.5(FLNC):c.1852T>C (p.Cys618Arg)

Gene: FLNC (filamin C; plus strand). Cytogenetic location: 7q32.1.
Variant type: single nucleotide variant.
Coding change: c.1852T>C on transcript NM_001458.5 (MANE Select); coding-DNA position 1852, T replaced by C.
Protein change: p.Cys618Arg; replaces cysteine 618 with arginine.
Molecular consequence: missense variant.
Genome position (GRCh38, 1-based): chr7:128,841,208, T>C. VCF-style: chr7-128841208-T-C. GRCh37 (hg19) VCF-style: chr7-128481262-T-C.
Other names: c.1852T>C, p.Cys618Arg (NM_001127487.2); short protein forms C618R.
Identifiers: ClinVar variation 3252323 (VCV003252323.2), dbSNP rs1808319071.

ClinVar aggregate classification (germline): Uncertain significance. Review status: criteria provided, multiple submitters, no conflicts (2 of 4 stars). 2 submissions from 2 submitters: Uncertain significance (2). Last evaluated 2026-03-03.

Conditions:
Cardiovascular phenotype. Identifiers: MedGen CN230736.

Submissions (2):

Ambry Genetics
Classification: Uncertain significance for Cardiovascular phenotype. Last evaluated: 2026-03-03. Review status: criteria provided, single submitter. Criteria: Ambry Variant Classification Scheme 2023. Collection method: clinical testing. Allele origin: germline.

GeneDx
Classification: Uncertain significance. Last evaluated: 2023-08-03. Review status: criteria provided, single submitter. Criteria: GeneDx Variant Classification Process June 2021. Collection method: clinical testing. Allele origin: germline. Affected: yes.
Comment: Has not been previously published as pathogenic or benign to our knowledge; Not observed at significant frequency in large population cohorts (gnomAD); In silico analysis supports that this missense variant has a deleterious effect on protein structure/function